The following is an entry in ClinVar:

NM_019109.5(ALG1):c.568C>A (p.His190Asn)

Gene: ALG1 (ALG1 chitobiosyldiphosphodolichol beta-mannosyltransferase; plus strand). Cytogenetic location: 16p13.3.
Variant type: single nucleotide variant.
Coding change: c.568C>A on transcript NM_019109.5 (MANE Select); coding-DNA position 568, C replaced by A.
Protein change: p.His190Asn; replaces histidine 190 with asparagine.
Molecular consequence: missense variant.
Genome position (GRCh38, 1-based): chr16:5,077,473, C>A. VCF-style: chr16-5077473-C-A. GRCh37 (hg19) VCF-style: chr16-5127474-C-A.
Other names: c.235C>A, p.His79Asn (NM_001330504.2); short protein forms H190N, H79N.
Identifiers: ClinVar variation 1373783 (VCV001373783.5), dbSNP rs771904667, ClinGen allele CA7889893.

ClinVar aggregate classification (germline): Uncertain significance (1 of 4 stars; one submission).

Conditions:
ALG1-congenital disorder of glycosylation. Also called: ALG1-CDG; CONGENITAL DISORDER OF GLYCOSYLATION, TYPE Ik; CDG Ik. Identifiers: Orphanet 79327, MedGen C2931005, MONDO:0012052, OMIM 608540.

Allele frequency attached by ClinVar (database versions not stated): gnomAD exomes below 0.00001; ExAC 0.00001.

Submission:

Labcorp Genetics (formerly Invitae), Labcorp
Classification: Uncertain significance for ALG1-congenital disorder of glycosylation. Last evaluated: 2022-02-04. Review status: criteria provided, single submitter. Criteria: Invitae Variant Classification Sherloc (09022015). Collection method: clinical testing. Allele origin: germline.
Comment: This sequence change replaces histidine, which is basic and polar, with asparagine, which is neutral and polar, at codon 190 of the ALG1 protein (p.His190Asn). This variant is present in population databases (rs771904667, gnomAD 0.0009%). This variant has not been reported in the literature in individuals affected with ALG1-related conditions. Advanced modeling of protein sequence and biophysical properties (such as structural, functional, and spatial information, amino acid conservation, physicochemical variation, residue mobility, and thermodynamic stability) performed at Invitae indicates that this missense variant is not expected to disrupt ALG1 protein function. In summary, the available evidence is currently insufficient to determine the role of this variant in disease. Therefore, it has been classified as a Variant of Uncertain Significance.